The following is an entry in ClinVar:

NM_006767.4(LZTR1):c.714C>G (p.Asp238Glu)

Gene: LZTR1 (leucine zipper like post translational regulator 1; plus strand). Cytogenetic location: 22q11.21.
Variant type: single nucleotide variant.
Coding change: c.714C>G on transcript NM_006767.4 (MANE Select); coding-DNA position 714, C replaced by G.
Protein change: p.Asp238Glu; replaces aspartic acid 238 with glutamic acid.
Molecular consequence: missense variant.
Genome position (GRCh38, 1-based): chr22:20,990,448, C>G. VCF-style: chr22-20990448-C-G. GRCh37 (hg19) VCF-style: chr22-21344737-C-G.
Other names: short protein forms D238E.
Identifiers: ClinVar variation 5023727 (VCV005023727.1).

ClinVar aggregate classification (germline): Uncertain significance (1 of 4 stars; one submission).

Conditions:
Cardiovascular phenotype. Identifiers: MedGen CN230736.
Hereditary cancer-predisposing syndrome. Also called: Neoplastic Syndromes, Hereditary; Tumor predisposition; Hereditary neoplastic syndrome; Hereditary Cancer Syndrome. Identifiers: Orphanet 140162, MedGen C0027672, MeSH D009386, MONDO:0015356.

gnomAD v4.1: 1 of 1,614,086 alleles (0.000062%); highest among the groups gnomAD compares: Non-Finnish European, 0.000085%; no homozygotes.

Submission:

Ambry Genetics
Classification: Uncertain significance for Cardiovascular phenotype; Hereditary cancer-predisposing syndrome. Last evaluated: 2026-07-19. Review status: criteria provided, single submitter. Criteria: Ambry Variant Classification Scheme 2023. Collection method: clinical testing. Allele origin: germline.
Comment: The p.D238E variant (also known as c.714C>G), located in coding exon 8 of the LZTR1 gene, results from a C to G substitution at nucleotide position 714. The aspartic acid at codon 238 is replaced by glutamic acid, an amino acid with highly similar properties. This amino acid position is conserved. In addition, this alteration is predicted to be tolerated by in silico analysis. Based on the available evidence, the clinical significance of this variant remains unclear.